The following is an entry in ClinVar:

NM_002585.4(PBX1):c.*2672C>T

Gene: PBX1 (PBX homeobox 1; plus strand). Cytogenetic location: 1q23.3.
Variant type: single nucleotide variant.
Coding change: c.*2672C>T on transcript NM_002585.4 (MANE Select); 2672 bases downstream of the stop codon, C replaced by T.
Molecular consequence: 3 prime UTR variant. On other transcripts: synonymous variant (1), intron variant (1).
Genome position (GRCh38, 1-based): chr1:164,849,348, C>T. VCF-style: chr1-164849348-C-T. GRCh37 (hg19) VCF-style: chr1-164818585-C-T.
Other names: c.*2808C>T (NM_001204961.2); c.1209C>T, p.Pro403= (NM_001204963.2); c.*2672C>T (NM_001353130.1); c.*43+27722C>T (NM_001353131.2).
Identifiers: ClinVar variation 3038609 (VCV003038609.2), dbSNP rs1215873715, ClinGen allele CA527053137.

ClinVar aggregate classification (germline): Likely benign (0 of 4 stars; one submission).

Conditions:
PBX1-related disorder. Also called: PBX1-related condition.

Allele frequency attached by ClinVar (database versions not stated): gnomAD 0.00001; TOPMed 0.00001; gnomAD exomes 0.00002.
gnomAD v4.1: 35 of 1,535,562 alleles (0.0023%); highest among the groups gnomAD compares: Non-Finnish European, 0.003%; no homozygotes.

Submission:

PreventionGenetics, part of Exact Sciences
Classification: Likely benign for PBX1-related condition. Last evaluated: 2024-07-28. Review status: no assertion criteria provided. Collection method: clinical testing. Allele origin: germline.
Comment: This variant is classified as likely benign based on ACMG/AMP sequence variant interpretation guidelines (Richards et al. 2015 PMID: 25741868, with internal and published modifications).